The following is an entry in ClinVar:

NM_006912.6(RIT1):c.274G>T (p.Ala92Ser)

Gene: RIT1 (Ras like without CAAX 1; minus strand). Cytogenetic location: 1q22.
Variant type: single nucleotide variant.
Coding change: c.274G>T on transcript NM_006912.6 (MANE Select); coding-DNA position 274, G replaced by T.
Protein change: p.Ala92Ser; replaces alanine 92 with serine.
Molecular consequence: missense variant.
Genome position (GRCh38, 1-based): chr1:155,904,466, C>A on the plus strand (G>T on the coding strand, the complement: RIT1 is on the minus strand). VCF-style: chr1-155904466-C-A. GRCh37 (hg19) VCF-style: chr1-155874257-C-A.
Other names: c.166G>T, p.Ala56Ser (NM_001256820.2); c.325G>T, p.Ala109Ser (NM_001256821.2); short protein forms A109S, A92S, A56S.
Identifiers: ClinVar variation 2969416 (VCV002969416.3), dbSNP rs2527180513, ClinGen allele CA342802775.

ClinVar aggregate classification (germline): Uncertain significance (1 of 4 stars; one submission).

Conditions:
Noonan syndrome 8 (NS8). Identifiers: Orphanet 648, MedGen C3809233, MONDO:0014143, OMIM 615355.

Submission:

Labcorp Genetics (formerly Invitae), Labcorp
Classification: Uncertain significance for Noonan syndrome 8. Last evaluated: 2023-12-01. Review status: criteria provided, single submitter. Criteria: Invitae Variant Classification Sherloc (09022015). Collection method: clinical testing. Allele origin: germline.
Comment: This sequence change replaces alanine, which is neutral and non-polar, with serine, which is neutral and polar, at codon 92 of the RIT1 protein (p.Ala92Ser). This variant is not present in population databases (gnomAD no frequency). This variant has not been reported in the literature in individuals affected with RIT1-related conditions. Advanced modeling of protein sequence and biophysical properties (such as structural, functional, and spatial information, amino acid conservation, physicochemical variation, residue mobility, and thermodynamic stability) performed at Invitae indicates that this missense variant is not expected to disrupt RIT1 protein function with a negative predictive value of 95%. In summary, the available evidence is currently insufficient to determine the role of this variant in disease. Therefore, it has been classified as a Variant of Uncertain Significance.